The following is an entry in ClinVar:

ClinVar aggregate classification (germline): Uncertain significance (1 of 4 stars; one submission).

Conditions:
Werner syndrome (WRN). Identifiers: Orphanet 902, MedGen C0043119, MONDO:0010196, OMIM 277700.

Submission:

Labcorp Genetics (formerly Invitae), Labcorp
Classification: Uncertain significance for Werner syndrome. Last evaluated: 2018-04-07. Review status: criteria provided, single submitter. Criteria: Invitae Variant Classification Sherloc (09022015). Collection method: clinical testing. Allele origin: germline.
Comment: This variant is not present in population databases (ExAC no frequency). This sequence change replaces serine with arginine at codon 107 of the WRN protein (p.Ser107Arg). The serine residue is weakly conserved and there is a moderate physicochemical difference between serine and arginine. This variant has not been reported in the literature in individuals with WRN-related disease. Algorithms developed to predict the effect of missense changes on protein structure and function do not agree on the potential impact of this missense change (SIFT: "Tolerated"; PolyPhen-2: "Possibly Damaging"; Align-GVGD: "Class C0"). In summary, the available evidence is currently insufficient to determine the role of this variant in disease. Therefore, it has been classified as a Variant of Uncertain Significance.

NM_000553.6(WRN):c.319A>C (p.Ser107Arg)

Gene: WRN (WRN RecQ like helicase; plus strand). Cytogenetic location: 8p12.
Variant type: single nucleotide variant.
Coding change: c.319A>C on transcript NM_000553.6 (MANE Select); coding-DNA position 319, A replaced by C.
Protein change: p.Ser107Arg; replaces serine 107 with arginine.
Molecular consequence: missense variant.
Genome position (GRCh38, 1-based): chr8:31,064,398, A>C. VCF-style: chr8-31064398-A-C. GRCh37 (hg19) VCF-style: chr8-30921914-A-C.
Other names: short protein forms S107R.
Identifiers: ClinVar variation 579003 (VCV000579003.4), dbSNP rs1563329506, ClinGen allele CA370914353.